The following is an entry in ClinVar:

NM_197968.4(ZMYM2):c.4082T>G (p.Val1361Gly)

Gene: ZMYM2 (zinc finger MYM-type containing 2; plus strand). Cytogenetic location: 13q12.11.
Variant type: single nucleotide variant.
Coding change: c.4082T>G on transcript NM_197968.4 (MANE Select); coding-DNA position 4082, T replaced by G.
Protein change: p.Val1361Gly; replaces valine 1361 with glycine.
Molecular consequence: missense variant. On other transcripts: non-coding transcript variant (1).
Genome position (GRCh38, 1-based): chr13:20,085,962, T>G. VCF-style: chr13-20085962-T-G. GRCh37 (hg19) VCF-style: chr13-20660102-T-G.
Other names: c.4082T>G, p.Val1361Gly (NM_001190964.4, NM_001190965.4, NM_001353157.2 and 4 more transcripts); c.3887T>G, p.Val1296Gly (NM_001353161.3); c.3821T>G, p.Val1274Gly (NM_001353163.2); short protein forms V1274G, V1296G, V1361G.
Identifiers: ClinVar variation 2631531 (VCV002631531.1), dbSNP rs2504709040, ClinGen allele CA387470611.

ClinVar aggregate classification (germline): Uncertain significance (1 of 4 stars; one submission).

Conditions:
ZMYM2-related disorder. Also called: ZMYM2-related condition.

Submission:

PreventionGenetics, part of Exact Sciences
Classification: Uncertain significance for ZMYM2-related condition. Last evaluated: 2023-08-09. Review status: criteria provided, single submitter. Criteria: ACMG Guidelines, 2015. Collection method: clinical testing. Allele origin: germline.
Comment: The ZMYM2 c.4082T>G variant is predicted to result in the amino acid substitution p.Val1361Gly. To our knowledge, this variant has not been reported in the literature or in a large population database, indicating this variant is rare. At this time, the clinical significance of this variant is uncertain due to the absence of conclusive functional and genetic evidence.